The following is an entry in ClinVar:

NC_012920.1(MT-TW):m.5567T>C

Gene: MT-TW (mitochondrially encoded tRNA tryptophan; plus strand).
Variant type: single nucleotide variant.
Genome position: chrM-5567-T-C.
Identifiers: ClinVar variation 689945 (VCV000689945.1), dbSNP rs1603220030, ClinGen allele CA913179887.
Genomic context (GRCh38, chrMT:5,567, plus strand): 5'-CTTATAGAAATTTAGGTTAAATACAGACCAAGAGCCTTCAAAGCCCTCAGTAAGTTGCAA[T>C]ACTTAATTTCTGTAACAGCTAAGGACTGCAAAACCCCACTCTGCATCAACTGAACGCAAA-3'

ClinVar aggregate classification (germline): Benign (1 of 4 stars; one submission).

Conditions:
MELAS syndrome (MELAS). Also called: Juvenile myopathy, encephalopathy, lactic acidosis, stroke. Identifiers: Orphanet 550, MedGen C0162671, MONDO:0010789, OMIM 540000.

Submission:

Wong Mito Lab, Molecular and Human Genetics, Baylor College of Medicine
Classification: Benign for MELAS syndrome. Last evaluated: 2019-07-12. Review status: criteria provided, single submitter. Criteria: Modified ACMG Guidelines (Unpublished). Collection method: clinical testing. Allele origin: germline.
Comment: The NC_012920.1:m.5567T>C variant in MT-TW gene is interpreted to be a Benign variant based on the modified ACMG guidelines (unpublished). This variant meets the following evidence codes reported in the guidelines: BS1, BS2

Literature cited by the submitters: PubMed 31965079; PubMed 18977334.